The following is an entry in ClinVar:

NM_004260.4(RECQL4):c.3593T>C (p.Leu1198Pro)

Gene: RECQL4 (RecQ like helicase 4; minus strand). Cytogenetic location: 8q24.3.
Variant type: single nucleotide variant.
Coding change: c.3593T>C on transcript NM_004260.4 (MANE Select); coding-DNA position 3593, T replaced by C.
Protein change: p.Leu1198Pro; replaces leucine 1198 with proline.
Molecular consequence: missense variant.
Genome position (GRCh38, 1-based): chr8:144,511,465, A>G on the plus strand (T>C on the coding strand, the complement: RECQL4 is on the minus strand). VCF-style: chr8-144511465-A-G. GRCh37 (hg19) VCF-style: chr8-145736848-A-G.
Other names: c.3299T>C, p.Leu1100Pro (NM_001413017.1); c.3395T>C, p.Leu1132Pro (NM_001413018.1); c.3668T>C, p.Leu1223Pro (NM_001413019.1); c.3497T>C, p.Leu1166Pro (NM_001413020.1); c.2522T>C, p.Leu841Pro (NM_001413021.1, NM_001413022.1, NM_001413024.1 and 4 more transcripts); c.2597T>C, p.Leu866Pro (NM_001413023.1); c.3464T>C, p.Leu1155Pro (NM_001413025.1); c.2456T>C, p.Leu819Pro (NM_001413027.1, NM_001413030.1, NM_001413032.1); and 9 more; short protein forms L1132P, L1223P, L709P, L775P, L1166P, L1198P, L831P, L1081P.
Identifiers: ClinVar variation 2084679 (VCV002084679.4), dbSNP rs1156631125, ClinGen allele CA372665671.

ClinVar aggregate classification (germline): Uncertain significance (1 of 4 stars; one submission).

Conditions:
Baller-Gerold syndrome (BGS). Also called: CRANIOSYNOSTOSIS WITH RADIAL DEFECTS. Identifiers: Orphanet 1225, MedGen C0265308, MONDO:0009039, OMIM 218600.

Allele frequency attached by ClinVar (database versions not stated): gnomAD exomes below 0.00001.
gnomAD v4.1: 1 of 1,612,524 alleles (0.000062%); highest among the groups gnomAD compares: Non-Finnish European, 0.000085%; no homozygotes.

Submission:

Labcorp Genetics (formerly Invitae), Labcorp
Classification: Uncertain significance for Baller-Gerold syndrome. Last evaluated: 2024-12-10. Review status: criteria provided, single submitter. Criteria: Invitae Variant Classification Sherloc (09022015). Collection method: clinical testing. Allele origin: germline.
Comment: This sequence change replaces leucine, which is neutral and non-polar, with proline, which is neutral and non-polar, at codon 1198 of the RECQL4 protein (p.Leu1198Pro). This variant is present in population databases (no rsID available, gnomAD 0.0009%). This variant has not been reported in the literature in individuals affected with RECQL4-related conditions. ClinVar contains an entry for this variant (Variation ID: 2084679). Invitae Evidence Modeling of protein sequence and biophysical properties (such as structural, functional, and spatial information, amino acid conservation, physicochemical variation, residue mobility, and thermodynamic stability) indicates that this missense variant is expected to disrupt RECQL4 protein function with a positive predictive value of 80%. In summary, the available evidence is currently insufficient to determine the role of this variant in disease. Therefore, it has been classified as a Variant of Uncertain Significance.